The following is an entry in ClinVar:

ClinVar aggregate classification (germline): Benign. Review status: criteria provided, multiple submitters, no conflicts (2 of 4 stars). 2 submissions from 2 submitters: Benign (2). Last evaluated 2018-06-16.

Allele frequency attached by ClinVar (database versions not stated): gnomAD exomes 0.00556; gnomAD 0.02687 and 0.02777; TOPMed 0.03058; 1000 Genomes Project 30x 0.03716; 1000 Genomes Project 0.03734.
gnomAD v4.1: 12,186 of 1,534,776 alleles (0.79%); highest among the groups gnomAD compares: African/African-American, 8.1%; 296 homozygotes.

Submissions (2):

GeneDx
Classification: Benign. Last evaluated: 2018-06-16. Review status: criteria provided, single submitter. Criteria: GeneDx Variant Classification (06012015). Collection method: clinical testing. Allele origin: germline. Affected: yes.
Comment: This variant is considered likely benign or benign based on one or more of the following criteria: it is a conservative change, it occurs at a poorly conserved position in the protein, it is predicted to be benign by multiple in silico algorithms, and/or has population frequency not consistent with disease.

Breakthrough Genomics
Classification: Benign. Review status: criteria provided, single submitter. Criteria: ACMG Guidelines, 2015. Collection method: not provided. Allele origin: germline. Inheritance: Autosomal recessive inheritance. Affected: yes.

NM_001848.3(COL6A1):c.589-57G>A

Gene: COL6A1 (collagen type VI alpha 1 chain; plus strand). Cytogenetic location: 21q22.3.
Variant type: single nucleotide variant.
Coding change: c.589-57G>A on transcript NM_001848.3 (MANE Select); 57 bases into the intron before coding-DNA position 589, G replaced by A.
Molecular consequence: intron variant.
Genome position (GRCh38, 1-based): chr21:45,986,887, G>A. VCF-style: chr21-45986887-G-A. GRCh37 (hg19) VCF-style: chr21-47406801-G-A.
Identifiers: ClinVar variation 679174 (VCV000679174.2), dbSNP rs138916267, ClinGen allele CA321959043.